The following is an entry in ClinVar:

NM_007194.4(CHEK2):c.428_429del (p.His143fs)

Gene: CHEK2 (checkpoint kinase 2; minus strand). Cytogenetic location: 22q12.1.
Variant type: Microsatellite.
Coding change: c.428_429del on transcript NM_007194.4 (MANE Select); coding-DNA positions 428 to 429, 2 bases deleted (AC; older notation c.428_429delAC).
Protein change: p.His143fs; shifts the reading frame from histidine 143.
Molecular consequence: frameshift variant. On other transcripts: 5 prime UTR variant (2).
Genome position (GRCh38, 1-based): chr22:28,725,258-28,725,259, GT deleted on the plus strand (AC on the coding strand, the reverse complement: CHEK2 is on the minus strand); deleting any 2 consecutive bases within chr22:28,725,258-28,725,261 gives the same sequence; the c. name uses the placement nearest the transcript's 3' end. VCF-style (leftmost placement, unchanged base first): chr22-28725257-AGT-A. GRCh37 (hg19) VCF-style: chr22-29121245-AGT-A.
Other names: c.557_558del, p.His186fs (NM_001005735.3, NM_001438294.1); c.-352AC[1] (NM_001257387.3); c.428_429del, p.His143fs (NM_001349956.3, NM_145862.3); c.-238AC[1] (NM_001437942.1); c.521_522del, p.His174fs (NM_001438293.1, NM_001438295.1); short protein forms H174fs, H143fs, H186fs.
Identifiers: ClinVar variation 5034539 (VCV005034539.1).

ClinVar aggregate classification (germline): Pathogenic (1 of 4 stars; one submission).

Conditions:
Hereditary cancer-predisposing syndrome. Also called: Hereditary Cancer Syndrome; Neoplastic Syndromes, Hereditary; Tumor predisposition; Hereditary neoplastic syndrome. Identifiers: Orphanet 140162, MedGen C0027672, MeSH D009386, MONDO:0015356.

Submission:

Ambry Genetics
Classification: Pathogenic for Hereditary cancer-predisposing syndrome. Last evaluated: 2026-08-05. Review status: criteria provided, single submitter. Criteria: Ambry Variant Classification Scheme 2023. Collection method: clinical testing. Allele origin: germline.
Comment: The c.428_429delAC pathogenic mutation, located in coding exon 2 of the CHEK2 gene, results from a deletion of two nucleotides at nucleotide positions 428 to 429, causing a translational frameshift with a predicted alternate stop codon (p.H143Lfs*10). This variant is considered to be rare based on population cohorts in the Genome Aggregation Database (gnomAD). This alteration is expected to result in loss of function by premature protein truncation or nonsense-mediated mRNA decay. As such, this alteration is interpreted as a disease-causing mutation.